The following is an entry in ClinVar:

ClinVar aggregate classification (germline): Likely pathogenic (1 of 4 stars; one submission).

Allele frequency attached by ClinVar (database versions not stated): gnomAD exomes below 0.00001; TOPMed below 0.00001; ExAC 0.00001; gnomAD 0.00001.

Submission:

Labcorp Genetics (formerly Invitae), Labcorp
Classification: Likely pathogenic. Last evaluated: 2019-10-16. Review status: criteria provided, single submitter. Criteria: Invitae Variant Classification Sherloc (09022015). Collection method: clinical testing. Allele origin: germline.
Comment: In summary, the currently available evidence indicates that the variant is pathogenic, but additional data are needed to prove that conclusively. Therefore, this variant has been classified as Likely Pathogenic. Donor and acceptor splice site variants typically lead to a loss of protein function (PMID: 16199547), and loss-of-function variants in COL7A1 are known to be pathogenic (PMID: 16971478). Algorithms developed to predict the effect of sequence changes on RNA splicing suggest that this variant may disrupt the consensus splice site, but this prediction has not been confirmed by published transcriptional studies. This variant has not been reported in the literature in individuals with COL7A1-related conditions. This variant is present in population databases (rs766769445, ExAC 0.002%). This sequence change affects a donor splice site in intron 54 of the COL7A1 gene. It is expected to disrupt RNA splicing and likely results in an absent or disrupted protein product.

Literature cited by the submitters: PubMed 16199547; PubMed 16971478.

NM_000094.4(COL7A1):c.5052+1G>A

Gene: COL7A1 (collagen type VII alpha 1 chain; minus strand). Cytogenetic location: 3p21.31.
Variant type: single nucleotide variant.
Coding change: c.5052+1G>A on transcript NM_000094.4 (MANE Select); the canonical splice donor site of the intron after coding-DNA position 5052, G replaced by A.
Molecular consequence: splice donor variant.
Genome position (GRCh38, 1-based): chr3:48,580,580, C>T on the plus strand (G>A on the coding strand, the complement: COL7A1 is on the minus strand). VCF-style: chr3-48580580-C-T. GRCh37 (hg19) VCF-style: chr3-48618013-C-T.
Identifiers: ClinVar variation 939468 (VCV000939468.7), dbSNP rs766769445, ClinGen allele CA2379710.